The following is an entry in ClinVar:

ClinVar aggregate classification (germline): Uncertain significance (1 of 4 stars; one submission).

gnomAD v4.1: 1 of 1,613,806 alleles (0.000062%); highest among the groups gnomAD compares: African/African-American, 0.0013%; no homozygotes.

Submission:

Labcorp Genetics (formerly Invitae), Labcorp
Classification: Uncertain significance. Last evaluated: 2022-10-24. Review status: criteria provided, single submitter. Criteria: Invitae Variant Classification Sherloc (09022015). Collection method: clinical testing. Allele origin: germline.
Comment: This sequence change replaces phenylalanine, which is neutral and non-polar, with leucine, which is neutral and non-polar, at codon 3508 of the HSPG2 protein (p.Phe3508Leu). In summary, the available evidence is currently insufficient to determine the role of this variant in disease. Therefore, it has been classified as a Variant of Uncertain Significance. Algorithms developed to predict the effect of missense changes on protein structure and function are either unavailable or do not agree on the potential impact of this missense change (SIFT: "Tolerated"; PolyPhen-2: "Possibly Damaging"; Align-GVGD: "Class C0"). ClinVar contains an entry for this variant (Variation ID: 1390244). This variant has not been reported in the literature in individuals affected with HSPG2-related conditions. This variant is not present in population databases (gnomAD no frequency).

NM_005529.7(HSPG2):c.10524C>G (p.Phe3508Leu)

Gene: HSPG2 (heparan sulfate proteoglycan 2; minus strand). Cytogenetic location: 1p36.12.
Variant type: single nucleotide variant.
Coding change: c.10524C>G on transcript NM_005529.7 (MANE Select); coding-DNA position 10524, C replaced by G.
Protein change: p.Phe3508Leu; replaces phenylalanine 3508 with leucine.
Molecular consequence: missense variant.
Genome position (GRCh38, 1-based): chr1:21,834,875, G>C on the plus strand (C>G on the coding strand, the complement: HSPG2 is on the minus strand). VCF-style: chr1-21834875-G-C. GRCh37 (hg19) VCF-style: chr1-22161368-G-C.
Other names: c.10527C>G, p.Phe3509Leu (NM_001291860.2); short protein forms F3508L, F3509L.
Identifiers: ClinVar variation 1390244 (VCV001390244.6), dbSNP rs991985128, ClinGen allele CA338909450.